The following is an entry in ClinVar:

NM_007194.4(CHEK2):c.1444A>G (p.Arg482Gly)

Gene: CHEK2 (checkpoint kinase 2; minus strand). Cytogenetic location: 22q12.1.
Variant type: single nucleotide variant.
Coding change: c.1444A>G on transcript NM_007194.4 (MANE Select); coding-DNA position 1444, A replaced by G.
Protein change: p.Arg482Gly; replaces arginine 482 with glycine.
Molecular consequence: missense variant.
Genome position (GRCh38, 1-based): chr22:28,694,049, T>C on the plus strand (A>G on the coding strand, the complement: CHEK2 is on the minus strand). VCF-style: chr22-28694049-T-C. GRCh37 (hg19) VCF-style: chr22-29090037-T-C.
Other names: c.1573A>G, p.Arg525Gly (NM_001005735.3); c.781A>G, p.Arg261Gly (NM_001257387.3); c.1357A>G, p.Arg453Gly (NM_145862.3); c.1243A>G, p.Arg415Gly (NM_001349956.3); short protein forms R415G, R482G, R261G, R453G, R525G.
Identifiers: ClinVar variation 819235 (VCV000819235.7), dbSNP rs1601715996, ClinGen allele CA411094047.

ClinVar aggregate classification (germline): Uncertain significance. Review status: criteria provided, multiple submitters, no conflicts (2 of 4 stars). 3 submissions from 3 submitters: Uncertain significance (3). Last evaluated 2024-05-18.

Conditions:
Hereditary cancer-predisposing syndrome. Also called: Tumor predisposition; Hereditary neoplastic syndrome; Neoplastic Syndromes, Hereditary; Hereditary Cancer Syndrome. Identifiers: Orphanet 140162, MedGen C0027672, MeSH D009386, MONDO:0015356.
Familial cancer of breast. Also called: hereditary breast carcinoma; Hereditary breast cancer; BREAST CANCER, FAMILIAL. Identifiers: Orphanet 227535, MedGen C0346153, MONDO:0016419, OMIM 114480. Disease mechanism: loss of function.

Submissions (3):

Labcorp Genetics (formerly Invitae), Labcorp
Classification: Uncertain significance for Familial cancer of breast. Last evaluated: 2024-05-18. Review status: criteria provided, single submitter. Criteria: Invitae Variant Classification Sherloc (09022015). Collection method: clinical testing. Allele origin: germline.
Comment: This sequence change replaces arginine, which is basic and polar, with glycine, which is neutral and non-polar, at codon 482 of the CHEK2 protein (p.Arg482Gly). This variant is not present in population databases (gnomAD no frequency). This variant has not been reported in the literature in individuals affected with CHEK2-related conditions. ClinVar contains an entry for this variant (Variation ID: 819235). Algorithms developed to predict the effect of missense changes on protein structure and function output the following: SIFT: "Not Available"; PolyPhen-2: "Benign"; Align-GVGD: "Not Available". The glycine amino acid residue is found in multiple mammalian species, which suggests that this missense change does not adversely affect protein function. In summary, the available evidence is currently insufficient to determine the role of this variant in disease. Therefore, it has been classified as a Variant of Uncertain Significance.

Color Diagnostics, LLC DBA Color Health
Classification: Uncertain significance for Hereditary cancer-predisposing syndrome. Last evaluated: 2022-11-07. Review status: criteria provided, single submitter. Criteria: ACMG Guidelines, 2015. Collection method: clinical testing. Allele origin: germline.
Comment: This missense variant replaces arginine with glycine at codon 482 of the CHEK2 protein. Computational prediction suggests that this variant may not impact protein structure and function (internally defined REVEL score threshold <= 0.5, PMID: 27666373). To our knowledge, functional studies have not been reported for this variant. This variant has not been reported in individuals affected with CHEK2-related disorders in the literature. This variant has not been identified in the general population by the Genome Aggregation Database (gnomAD). The available evidence is insufficient to determine the role of this variant in disease conclusively. Therefore, this variant is classified as a Variant of Uncertain Significance.

Ambry Genetics
Classification: Uncertain significance for Hereditary cancer-predisposing syndrome. Last evaluated: 2019-11-05. Review status: criteria provided, single submitter. Criteria: Ambry Variant Classification Scheme 2023. Collection method: clinical testing. Allele origin: germline.
Comment: The p.R482G variant (also known as c.1444A>G), located in coding exon 12 of the CHEK2 gene, results from an A to G substitution at nucleotide position 1444. The arginine at codon 482 is replaced by glycine, an amino acid with dissimilar properties. This amino acid position is poorly conserved in available vertebrate species. In addition, this alteration is predicted to be tolerated by in silico analysis. Since supporting evidence is limited at this time, the clinical significance of this alteration remains unclear.